The following is an entry in ClinVar:

ClinVar aggregate classification (germline): Uncertain significance (1 of 4 stars; one submission).

Conditions:
Wilms tumor 1 (WT1). Also called: Wilms tumor, somatic. Identifiers: Orphanet 654, MedGen CN033288, MONDO:0008679, OMIM 194070.

Allele frequency attached by ClinVar (database versions not stated): gnomAD exomes below 0.00001.
gnomAD v4.1: 1 of 1,205,455 alleles (0.000083%); highest among the groups gnomAD compares: Non-Finnish European, 0.00011%; no homozygotes.

Submission:

Labcorp Genetics (formerly Invitae), Labcorp
Classification: Uncertain significance for Wilms tumor 1. Last evaluated: 2022-09-12. Review status: criteria provided, single submitter. Criteria: Invitae Variant Classification Sherloc (09022015). Collection method: clinical testing. Allele origin: germline.
Comment: This sequence change replaces glutamic acid, which is acidic and polar, with lysine, which is basic and polar, at codon 390 of the GPC3 protein (p.Glu390Lys). In summary, the available evidence is currently insufficient to determine the role of this variant in disease. Therefore, it has been classified as a Variant of Uncertain Significance. Algorithms developed to predict the effect of missense changes on protein structure and function are either unavailable or do not agree on the potential impact of this missense change (SIFT: "Deleterious"; PolyPhen-2: "Probably Damaging"; Align-GVGD: "Class C0"). This variant has not been reported in the literature in individuals affected with GPC3-related conditions. This variant is not present in population databases (gnomAD no frequency).

NM_004484.4(GPC3):c.1168G>A (p.Glu390Lys)

Gene: GPC3 (glypican 3; minus strand). Cytogenetic location: Xq26.2.
Variant type: single nucleotide variant.
Coding change: c.1168G>A on transcript NM_004484.4 (MANE Select); coding-DNA position 1168, G replaced by A.
Protein change: p.Glu390Lys; replaces glutamic acid 390 with lysine.
Molecular consequence: missense variant.
Genome position (GRCh38, 1-based): chrX:133,692,493, C>T on the plus strand (G>A on the coding strand, the complement: GPC3 is on the minus strand). VCF-style: chrX-133692493-C-T. GRCh37 (hg19) VCF-style: chrX-132826521-C-T.
Other names: c.1237G>A, p.Glu413Lys (NM_001164617.2); c.1120G>A, p.Glu374Lys (NM_001164618.2); c.1006G>A, p.Glu336Lys (NM_001164619.2); short protein forms E374K, E390K, E336K, E413K.
Identifiers: ClinVar variation 2153944 (VCV002153944.4), dbSNP rs2521132930, ClinGen allele CA414705839.